The following is an entry in ClinVar:

NM_007294.4(BRCA1):c.2322del (p.Thr775fs)

Gene: BRCA1 (BRCA1 DNA repair associated; minus strand). Cytogenetic location: 17q21.31.
Variant type: Deletion.
Coding change: c.2322del on transcript NM_007294.4 (MANE Select); coding-DNA position 2322, one base deleted (T; older notation c.2322delT).
Protein change: p.Thr775fs; shifts the reading frame from threonine 775.
Molecular consequence: frameshift variant. On other transcripts: intron variant (137).
Genome position (GRCh38, 1-based): chr17:43,093,209, A deleted on the plus strand (T on the coding strand, the reverse complement: BRCA1 is on the minus strand). VCF-style (leftmost placement, unchanged base first): chr17-43093208-TA-T. GRCh37 (hg19) VCF-style: chr17-41245225-TA-T.
Other names: 2441delT; c.2178del, p.Thr727fs (NM_001407839.1, NM_001407841.1, NM_001407842.1 and 20 more transcripts); c.2181del, p.Thr728fs (NM_001407850.1, NM_001407851.1, NM_001407852.1 and 29 more transcripts); c.2109del, p.Thr704fs (NM_001407853.1, NM_001407894.1, NM_001407895.1 and 9 more transcripts); c.2322del, p.Thr775fs (NM_001407854.1, NM_001407858.1, NM_001407859.1 and 30 more transcripts); c.2319del, p.Thr774fs (NM_001407860.1, NM_001407861.1, NM_001407587.1 and 22 more transcripts); c.2121del, p.Thr708fs (NM_001407862.1); c.2199del, p.Thr734fs (NM_001407863.1, NM_001407919.1, NM_001407937.1 and 19 more transcripts); and 43 more; short protein forms T728fs, T775fs, T479fs, T607fs, T648fs, T686fs, T772fs, T663fs.
Identifiers: ClinVar variation 266249 (VCV000266249.6), dbSNP rs886040025, ClinGen allele CA10589863.

ClinVar aggregate classification (germline): Pathogenic. Review status: reviewed by expert panel (3 of 4 stars). 2 submissions from 2 submitters: Pathogenic (1). 1 of the submissions does not count toward it. Last evaluated 2016-10-18.

Conditions:
Breast-ovarian cancer, familial, susceptibility to, 1 (BROVCA1). Also called: BRCA1 Hereditary Breast and Ovarian Cancer; OVARIAN CANCER, SUSCEPTIBILITY TO. Identifiers: Orphanet 145, MedGen C2676676, MONDO:0011450, OMIM 604370. Disease mechanism: loss of function.

Submissions (2):

Evidence-based Network for the Interpretation of Germline Mutant Alleles (ENIGMA)
Classification: Pathogenic for Breast-ovarian cancer, familial, susceptibility to, 1. Last evaluated: 2016-10-18. Review status: reviewed by expert panel. Criteria: ENIGMA BRCA1/2 Classification Criteria (2015). Collection method: curation. Allele origin: germline.
Comment: Variant allele predicted to encode a truncated non-functional protein.

Consortium of Investigators of Modifiers of BRCA1/2 (CIMBA), c/o University of Cambridge
Classification: Pathogenic for Breast-ovarian cancer, familial, susceptibility to, 1. Last evaluated: 2015-10-02. Review status: criteria provided, single submitter. Criteria: CIMBA Mutation Classification guidelines May 2016. Collection method: clinical testing. Allele origin: germline. Not counted in ClinVar's aggregate classification.